The following is an entry in ClinVar:

NC_000011.9:g.(?_31284590)_(31824402_?)del

Genes: DNAJC24 (DnaJ heat shock protein family (Hsp40) member C24; plus strand), PAX6 (paired box 6; minus strand), DCDC1 (doublecortin domain containing 1; minus strand), IMMP1L (inner mitochondrial membrane peptidase subunit 1; minus strand), ELP4 (elongator acetyltransferase complex subunit 4; plus strand). Cytogenetic location: 11p13.
Variant type: Deletion.
Identifiers: ClinVar variation 1072681 (VCV001072681.6).

ClinVar aggregate classification (germline): Pathogenic (1 of 4 stars; one submission).

Conditions:
Aniridia 1 (AN1). Identifiers: Orphanet 250923, MedGen C0344542, MONDO:0024507, OMIM 106210.
Irido-corneo-trabecular dysgenesis (ASGD5). Also called: ANTERIOR SEGMENT DYSGENESIS 5. Identifiers: Orphanet 708, MedGen C0344559, MONDO:0011414, OMIM 604229, HP:0000659.

Submission:

Labcorp Genetics (formerly Invitae), Labcorp
Classification: Pathogenic for Aniridia 1; Irido-corneo-trabecular dysgenesis. Last evaluated: 2021-09-02. Review status: criteria provided, single submitter. Criteria: Invitae Variant Classification Sherloc (09022015). Collection method: clinical testing. Allele origin: germline.
Comment: This variant is a gross deletion of the genomic region encompassing exon(s) 5-13 of the PAX6 gene, which includes the termination codon. This deletion extends beyond the assayed region for this gene and therefore may encompass additional genes. While this deletion is not anticipated to lead to nonsense mediated decay, it is expected to alter mRNA translation or result in a truncated protein product. A similar copy number variant has been observed in individual(s) with aniridia (PMID: 28231309; Invitae). For these reasons, this variant has been classified as Pathogenic.

Literature cited by the submitters: PubMed 28231309.